The following is an entry in ClinVar:

NM_000059.4(BRCA2):c.5979dup (p.Gln1994fs)

Gene: BRCA2 (BRCA2 DNA repair associated; plus strand). Cytogenetic location: 13q13.1.
Variant type: Duplication.
Coding change: c.5979dup on transcript NM_000059.4 (MANE Select); coding-DNA position 5979, one base duplicated (A; older notation c.5979dupA).
Protein change: p.Gln1994fs; shifts the reading frame from glutamine 1994.
Molecular consequence: frameshift variant.
Genome position (GRCh38, 1-based): chr13:32,340,334, A duplicated. VCF-style (leftmost placement, unchanged base first): chr13-32340333-T-TA. GRCh37 (hg19) VCF-style: chr13-32914470-T-TA.
Other names: short protein forms Q1994fs.
Identifiers: ClinVar variation 1360301 (VCV001360301.7), dbSNP rs2137522893, ClinGen allele CA2573149396.

ClinVar aggregate classification (germline): Pathogenic. Review status: criteria provided, multiple submitters, no conflicts (2 of 4 stars). 2 submissions from 2 submitters: Pathogenic (2). Last evaluated 2022-06-17.

Conditions:
Hereditary breast ovarian cancer syndrome. Also called: BRCA1- and BRCA2-Associated Hereditary Breast and Ovarian Cancer; Hereditary breast and ovarian cancer; Hereditary breast and/or ovarian cancer syndrome; Hereditary breast and ovarian cancer syndrome; Hereditary breast and ovarian cancer syndrome (HBOC); Breast and ovarian cancer. Identifiers: Orphanet 145, MedGen C0677776, MeSH D061325, MONDO:0003582. Disease mechanism: loss of function.

Submissions (2):

GeneDx
Classification: Pathogenic. Last evaluated: 2022-06-17. Review status: criteria provided, single submitter. Criteria: GeneDx Variant Classification Process June 2021. Collection method: clinical testing. Allele origin: germline. Affected: yes.
Comment: Frameshift variant predicted to result in protein truncation or nonsense mediated decay in a gene for which loss of function is a known mechanism of disease; Not observed at significant frequency in large population cohorts (gnomAD); Observed in an individual with a personal history consistent with pathogenic variants in this gene (Palmer 2020); Truncating variants in this gene are considered pathogenic by a well-established clinical consortium and/or database; Also known as 6207dup; This variant is associated with the following publications: (PMID: 32427313)

Labcorp Genetics (formerly Invitae), Labcorp
Classification: Pathogenic for Hereditary breast ovarian cancer syndrome. Last evaluated: 2020-12-03. Review status: criteria provided, single submitter. Criteria: Invitae Variant Classification Sherloc (09022015). Collection method: clinical testing. Allele origin: germline.
Comment: For these reasons, this variant has been classified as Pathogenic. This variant has not been reported in the literature in individuals with BRCA2-related conditions. This variant is not present in population databases (ExAC no frequency). This sequence change creates a premature translational stop signal (p.Gln1994Thrfs*9) in the BRCA2 gene. It is expected to result in an absent or disrupted protein product. Loss-of-function variants in BRCA2 are known to be pathogenic (PMID: 20104584).

Literature cited by the submitters: PubMed 20104584 (cited by Labcorp Genetics (formerly Invitae), Labcorp).